The following is an entry in ClinVar:

NM_000372.5(TYR):c.308G>C (p.Cys103Ser)

Gene: TYR (tyrosinase; plus strand). Cytogenetic location: 11q14.3.
Variant type: single nucleotide variant.
Coding change: c.308G>C on transcript NM_000372.5 (MANE Select); coding-DNA position 308, G replaced by C.
Protein change: p.Cys103Ser; replaces cysteine 103 with serine.
Molecular consequence: missense variant.
Genome position (GRCh38, 1-based): chr11:89,178,261, G>C. VCF-style: chr11-89178261-G-C. GRCh37 (hg19) VCF-style: chr11-88911429-G-C.
Other names: short protein forms C103S.
Identifiers: ClinVar variation 4781187 (VCV004781187.1).

ClinVar aggregate classification (germline): Likely pathogenic (1 of 4 stars; one submission).

gnomAD v4.1: 1 of 1,614,196 alleles (0.000062%); no homozygotes.

Submission:

Labcorp Genetics (formerly Invitae), Labcorp
Classification: Likely pathogenic. Last evaluated: 2026-01-01. Review status: criteria provided, single submitter. Criteria: Invitae Variant Classification Sherloc (09022015). Collection method: clinical testing. Allele origin: germline.
Comment: This sequence change replaces cysteine, which is neutral and slightly polar, with serine, which is neutral and polar, at codon 103 of the TYR protein (p.Cys103Ser). This variant is not present in population databases (gnomAD no frequency). This variant has not been reported in the literature in individuals affected with TYR-related conditions. Invitae Evidence Modeling of protein sequence and biophysical properties (such as structural, functional, and spatial information, amino acid conservation, physicochemical variation, residue mobility, and thermodynamic stability) indicates that this missense variant is expected to disrupt TYR protein function with a positive predictive value of 95%. This variant disrupts the p.Cys103 amino acid residue in TYR. Other variant(s) that disrupt this residue have been determined to be pathogenic (PMID: 29345414, 30996339). This suggests that this residue is clinically significant, and that variants that disrupt this residue are likely to be disease-causing. In summary, the currently available evidence indicates that the variant is pathogenic, but additional data are needed to prove that conclusively. Therefore, this variant has been classified as Likely Pathogenic.

Literature cited by the submitters: PubMed 29345414; PubMed 30996339.